The following is an entry in ClinVar:

ClinVar aggregate classification (germline): Conflicting classifications of pathogenicity. Review status: criteria provided, conflicting classifications (1 of 4 stars). 2 submissions from 2 submitters: Uncertain significance (1); Likely benign (1). Last evaluated 2025-05-15.

Conditions:
Hereditary cancer-predisposing syndrome. Also called: Neoplastic Syndromes, Hereditary; Hereditary Cancer Syndrome; Tumor predisposition; Hereditary neoplastic syndrome. Identifiers: Orphanet 140162, MedGen C0027672, MeSH D009386, MONDO:0015356.
Hereditary breast ovarian cancer syndrome. Also called: Breast and ovarian cancer; Hereditary breast and ovarian cancer; Hereditary breast and ovarian cancer syndrome; Hereditary breast and ovarian cancer syndrome (HBOC); BRCA1- and BRCA2-Associated Hereditary Breast and Ovarian Cancer; Hereditary breast and/or ovarian cancer syndrome. Identifiers: Orphanet 145, MedGen C0677776, MeSH D061325, MONDO:0003582. Disease mechanism: loss of function.

Submissions (2):

Labcorp Genetics (formerly Invitae), Labcorp
Classification: Uncertain significance for Hereditary breast ovarian cancer syndrome. Last evaluated: 2025-05-15. Review status: criteria provided, single submitter. Criteria: Invitae Variant Classification Sherloc (09022015). Collection method: clinical testing. Allele origin: germline.
Comment: This sequence change replaces phenylalanine, which is neutral and non-polar, with tyrosine, which is neutral and polar, at codon 1559 of the BRCA2 protein (p.Phe1559Tyr). This variant is not present in population databases (gnomAD no frequency). This variant has not been reported in the literature in individuals affected with BRCA2-related conditions. ClinVar contains an entry for this variant (Variation ID: 1475281). Invitae Evidence Modeling of protein sequence and biophysical properties (such as structural, functional, and spatial information, amino acid conservation, physicochemical variation, residue mobility, and thermodynamic stability) indicates that this missense variant is not expected to disrupt BRCA2 protein function with a negative predictive value of 95%. In summary, the available evidence is currently insufficient to determine the role of this variant in disease. Therefore, it has been classified as a Variant of Uncertain Significance.

University of Washington Department of Laboratory Medicine, University of Washington
Classification: Likely benign for Hereditary cancer-predisposing syndrome. Last evaluated: 2023-03-23. Review status: criteria provided, single submitter. Criteria: Dines et al. (Genet Med. 2020). Collection method: curation. Allele origin: germline.
Comment: Missense variant in a coldspot region where missense variants are very unlikely to be pathogenic (PMID:31911673).

BRCA2 exon 11 coldspot. Reclassification based on statistical prior probability.

NM_000059.4(BRCA2):c.4676T>A (p.Phe1559Tyr)

Gene: BRCA2 (BRCA2 DNA repair associated; plus strand). Cytogenetic location: 13q13.1.
Variant type: single nucleotide variant.
Coding change: c.4676T>A on transcript NM_000059.4 (MANE Select); coding-DNA position 4676, T replaced by A.
Protein change: p.Phe1559Tyr; replaces phenylalanine 1559 with tyrosine.
Molecular consequence: missense variant.
Genome position (GRCh38, 1-based): chr13:32,339,031, T>A. VCF-style: chr13-32339031-T-A. GRCh37 (hg19) VCF-style: chr13-32913168-T-A.
Other names: short protein forms F1559Y.
Identifiers: ClinVar variation 1475281 (VCV001475281.9), dbSNP rs1060502411, ClinGen allele CA387782799.
Genomic context (GRCh38, chr13:32,339,031, plus strand): 5'-TGGACAAAGTGAAAAACCTTTTTGATGAAAAAGAGCAAGGTACTAGTGAAATCACCAGTT[T>A]TAGCCATCAATGGGCAAAGACCCTAAAGTACAGAGAGGCCTGTAAAGACCTTGAATTAGC-3'
Protein context (NP_000050.3, residues 1549-1569): KEQGTSEITS[Phe1559Tyr]SHQWAKTLKY